The following is an entry in ClinVar:

ClinVar aggregate classification (germline): Uncertain significance. Review status: criteria provided, multiple submitters, no conflicts (2 of 4 stars). 2 submissions from 2 submitters: Uncertain significance (2). Last evaluated 2025-11-27.

gnomAD v4.1: 104 of 1,600,162 alleles (0.0065%); highest among the groups gnomAD compares: Non-Finnish European, 0.0085%; no homozygotes.

Submissions (2):

Labcorp Genetics (formerly Invitae), Labcorp
Classification: Uncertain significance. Last evaluated: 2025-11-27. Review status: criteria provided, single submitter. Criteria: Invitae Variant Classification Sherloc (09022015). Collection method: clinical testing. Allele origin: germline.
Comment: This sequence change replaces glycine, which is neutral and non-polar, with alanine, which is neutral and non-polar, at codon 17 of the CYP51A1 protein (p.Gly17Ala). This variant is present in population databases (rs777085204, gnomAD 0.003%). This variant has not been reported in the literature in individuals affected with CYP51A1-related conditions. ClinVar contains an entry for this variant (Variation ID: 3270703). Experimental studies and prediction algorithms are not available or were not evaluated, and the functional significance of this variant is currently unknown. In summary, the available evidence is currently insufficient to determine the role of this variant in disease. Therefore, it has been classified as a Variant of Uncertain Significance.

Ambry Genetics
Classification: Uncertain significance. Last evaluated: 2024-04-23. Review status: criteria provided, single submitter. Criteria: Ambry Variant Classification Scheme 2023. Collection method: clinical testing. Allele origin: germline.

NM_000786.4(CYP51A1):c.50G>C (p.Gly17Ala)

Gene: CYP51A1 (cytochrome P450 family 51 subfamily A member 1; minus strand). Cytogenetic location: 7q21.2.
Variant type: single nucleotide variant.
Coding change: c.50G>C on transcript NM_000786.4 (MANE Select); coding-DNA position 50, G replaced by C.
Protein change: p.Gly17Ala; replaces glycine 17 with alanine.
Molecular consequence: missense variant. On other transcripts: intron variant (1).
Genome position (GRCh38, 1-based): chr7:92,134,315, C>G on the plus strand (G>C on the coding strand, the complement: CYP51A1 is on the minus strand). VCF-style: chr7-92134315-C-G. GRCh37 (hg19) VCF-style: chr7-91763629-C-G.
Other names: c.-124+351G>C (NM_001146152.2); short protein forms G17A.
Identifiers: ClinVar variation 3270703 (VCV003270703.2).